The following is an entry in ClinVar:

ClinVar aggregate classification (germline): Pathogenic (1 of 4 stars; one submission).

Conditions:
WHIM syndrome 1 (WHIMS). Identifiers: Orphanet 51636, MedGen C5542296, MONDO:8000006, OMIM 193670.

Submission:

Research Department, X4 Pharmaceuticals (Austria) GmbH
Classification: Pathogenic for WHIM syndrome 1. Last evaluated: 2025-06-03. Review status: criteria provided, single submitter. Criteria: ACMG Guidelines, 2015. Collection method: curation, in vitro. Allele origin: germline, not applicable. Inheritance: Autosomal dominant inheritance. Affected: yes. Observed: 1 variant allele, 1 heterozygote. Functional consequence: gain_of_function_variant.
Comment: The p.Leu326Glnfs*17 frameshift variant has been observed in an individual with clinical features of WHIM syndrome (PMID: 35947323); the variant was observed to be de novo. Experimental studies have shown that this premature translational stop signal affects CXCR4 function (PMID: 35947323). This variant is located in a region of the CXCR4 protein where a significant number of CXCR4 nonsense and frameshift mutations have been reported in association with autosomal dominant WHIM syndrome (PMID: 31313072, 32784523, 35947323, 39040098). This variant is not present in population databases (gnomAD no frequency).

Literature cited by the submitters: PubMed 35947323.

NM_003467.3(CXCR4):c.977_978del (p.Leu326fs)

Gene: CXCR4 (C-X-C motif chemokine receptor 4; minus strand). Cytogenetic location: 2q22.1.
Variant type: Deletion.
Coding change: c.977_978del on transcript NM_003467.3 (MANE Select); coding-DNA positions 977 to 978, 2 bases deleted (TC; older notation c.977_978delTC).
Protein change: p.Leu326fs; shifts the reading frame from leucine 326.
Molecular consequence: frameshift variant.
Genome position (GRCh38, 1-based): chr2:136,114,950-136,114,951, GA deleted on the plus strand (TC on the coding strand, the reverse complement: CXCR4 is on the minus strand); deleting any 2 consecutive bases within chr2:136,114,950-136,114,952 gives the same sequence; the c. name uses the placement nearest the transcript's 3' end. VCF-style (leftmost placement, unchanged base first): chr2-136114949-TGA-T. GRCh37 (hg19) VCF-style: chr2-136872519-TGA-T.
Other names: c.1190_1191del, p.Leu397fs (NM_001348056.2); c.1076_1077del, p.Leu359fs (NM_001348059.2); c.932_933del, p.Leu311fs (NM_001348060.2); c.989_990del, p.Leu330fs (NM_001008540.2); short protein forms L311fs, L326fs, L330fs, L359fs, L397fs.
Identifiers: ClinVar variation 3902816 (VCV003902816.2).
Genomic context (GRCh38, chr2:136,114,949, plus strand): 5'-AAGACTCAGACTCAGTGGAAACAGATGAATGTCCACCTCGCTTTCCTTTGGAGAGGATCT[TGA>T]GGCTGGACCCTCTGCTCACAGAGGTGAGTGCGTGCTGGGCAGAGGTTTTAAATTTGGCTC-3'